The following is an entry in ClinVar:

ClinVar aggregate classification (germline): Uncertain significance (1 of 4 stars; one submission).

Submission:

Labcorp Genetics (formerly Invitae), Labcorp
Classification: Uncertain significance. Last evaluated: 2022-02-28. Review status: criteria provided, single submitter. Criteria: Invitae Variant Classification Sherloc (09022015). Collection method: clinical testing. Allele origin: germline.
Comment: In summary, the available evidence is currently insufficient to determine the role of this variant in disease. Therefore, it has been classified as a Variant of Uncertain Significance. Algorithms developed to predict the effect of missense changes on protein structure and function are either unavailable or do not agree on the potential impact of this missense change (SIFT: "Not Available"; PolyPhen-2: "Benign"; Align-GVGD: "Not Available"). This variant has not been reported in the literature in individuals affected with TRAF3IP1-related conditions. Information on the frequency of this variant in the gnomAD database is not available, as this variant may be reported differently in the database. This sequence change replaces asparagine, which is neutral and polar, with serine, which is neutral and polar, at codon 228 of the TRAF3IP1 protein (p.Asn228Ser).

NM_015650.4(TRAF3IP1):c.683_684inv (p.Asn228Ser)

Gene: TRAF3IP1 (TRAF3 interacting protein 1; plus strand). Cytogenetic location: 2q37.3.
Variant type: Inversion.
Coding change: c.683_684inv on transcript NM_015650.4 (MANE Select).
Protein change: p.Asn228Ser; replaces asparagine 228 with serine.
Molecular consequence: missense variant.
Genome position: GRCh38 VCF-style: chr2-238329110-AC-GT. GRCh37 (hg19) VCF-style: chr2-239237751-AC-GT.
Other names: c.683_684inv, p.Asn228Ser (NM_001139490.1); short protein forms N228S.
Identifiers: ClinVar variation 1957717 (VCV001957717.5), ClinGen allele CA2580067925.